The following is an entry in ClinVar:

ClinVar aggregate classification (germline): Uncertain significance (1 of 4 stars; one submission).

Submission:

CeGaT Center for Human Genetics Tuebingen
Classification: Uncertain significance. Last evaluated: 2023-06-01. Review status: criteria provided, single submitter. Criteria: CeGaT Center For Human Genetics Tuebingen Variant Classification Criteria Version 2. Collection method: clinical testing. Allele origin: germline. Affected: yes. Observed: 1 variant allele.
Comment: DNA2: PM2

NM_001080449.3(DNA2):c.1548_1549del (p.Asp516fs)

Gene: DNA2 (DNA replication helicase/nuclease 2; minus strand). Cytogenetic location: 10q21.3.
Variant type: Deletion.
Coding change: c.1548_1549del on transcript NM_001080449.3 (MANE Select); coding-DNA positions 1548 to 1549, 2 bases deleted (CA; older notation c.1548_1549delCA).
Protein change: p.Asp516fs; shifts the reading frame from aspartic acid 516.
Molecular consequence: frameshift variant. On other transcripts: non-coding transcript variant (1).
Genome position (GRCh38, 1-based): chr10:68,437,108-68,437,109, TG deleted on the plus strand (CA on the coding strand, the reverse complement: DNA2 is on the minus strand); deleting any 2 consecutive bases within chr10:68,437,108-68,437,110 gives the same sequence; the c. name uses the placement nearest the transcript's 3' end. VCF-style (leftmost placement, unchanged base first): chr10-68437107-CTG-C. GRCh37 (hg19) VCF-style: chr10-70196864-CTG-C.
Other names: short protein forms D516fs.
Identifiers: ClinVar variation 2640529 (VCV002640529.24), dbSNP rs2493939247, ClinGen allele CA2695199501.